The following is an entry in ClinVar:

ClinVar aggregate classification (germline): Likely pathogenic (1 of 4 stars; one submission).

Conditions:
Neurodevelopmental disorder with hypotonia, facial dysmorphism, and brain abnormalities (NEDHFBA). Also called: EL-HATTAB-SCHMIDTS SYNDROME; PPP1R21-Related El-Hattab-Schmidts Syndrome. Identifiers: MedGen C5543591, MONDO:0859165, OMIM 619383.

Submission:

3billion
Classification: Likely pathogenic for Neurodevelopmental disorder with hypotonia, facial dysmorphism, and brain abnormalities. Last evaluated: 2022-01-03. Review status: criteria provided, single submitter. Criteria: ACMG Guidelines, 2015. Collection method: clinical testing. Allele origin: germline. Affected: yes. Observed: 1 homozygote.
Comment: Frameshift: predicted to result in a loss or disruption of normal protein function through nonsense-mediated decay (NMD) or protein truncation. Multiple pathogenic variants are reported downstream of the variant (PVS1_VS). It is not observed in the gnomAD v2.1.1 dataset (PM2_M). Therefore, this variant is classified as likely pathogenic according to the recommendation of ACMG/AMP guideline.

NM_001135629.3(PPP1R21):c.1171del (p.Lys390_Met391insTer)

Gene: PPP1R21 (protein phosphatase 1 regulatory subunit 21; plus strand). Cytogenetic location: 2p16.3.
Variant type: Deletion.
Coding change: c.1171del on transcript NM_001135629.3 (MANE Select); coding-DNA position 1171, one base deleted (A; older notation c.1171delA).
Protein change: p.Lys390_Met391insTer.
Molecular consequence: nonsense. On other transcripts: non-coding transcript variant (1).
Genome position (GRCh38, 1-based): chr2:48,474,765, A deleted; the last of 7 consecutive A bases (chr2:48,474,759-48,474,765); deleting any one gives the same sequence. VCF-style (leftmost placement, unchanged base first): chr2-48474758-GA-G. GRCh37 (hg19) VCF-style: chr2-48701897-GA-G.
Other names: c.1171del, p.Lys390_Met391insTer (NM_001193475.2, NM_152994.5).
Identifiers: ClinVar variation 1333266 (VCV001333266.1), dbSNP rs2103865102, ClinGen allele CA2573051986.